The following is an entry in ClinVar:

ClinVar aggregate classification (germline): Uncertain significance (1 of 4 stars; one submission).

Conditions:
Autosomal dominant Alport syndrome (ATS3A). Also called: Alport syndrome dominant type; Renal failure and sensorineural hearing loss; ALPORT SYNDROME 3A, AUTOSOMAL DOMINANT. Identifiers: Orphanet 63, Orphanet 88918, MedGen C5882663, MONDO:0007086, OMIM 104200.

gnomAD v4.1: 2 of 1,612,230 alleles (0.00012%); highest among the groups gnomAD compares: Non-Finnish European, 0.000085%; no homozygotes.

Submission:

3billion
Classification: Uncertain significance for Autosomal dominant Alport syndrome. Last evaluated: 2024-06-19. Review status: criteria provided, single submitter. Criteria: ACMG Guidelines, 2015. Collection method: clinical testing. Allele origin: germline. Affected: yes.
Comment: The variant is observed at an extremely low frequency in the gnomAD v4.0.0 dataset (total allele frequency: <0.001%). Predicted Consequence/Location: Missense variant In silico tool predictions suggest damaging effect of the variant on gene or gene product [REVEL: 0.98 (>=0.6, sensitivity 0.68 and specificity 0.92)]. Different missense changes at the same codon (p.Gly183Cys, p.Gly183Val) have been reported as pathogenic/likely pathogenic with strong evidence (ClinVar ID: VCV000974510, VCV001683852 /PMID: 33532864). Therefore, this variant is classified as VUS according to the recommendation of ACMG/AMP guideline.

Literature cited by the submitters: PubMed 33532864.

NM_000091.5(COL4A3):c.548G>A (p.Gly183Asp)

Genes: MFF-DT (MFF divergent transcript; minus strand), COL4A3 (collagen type IV alpha 3 chain; plus strand). Cytogenetic location: 2q36.3.
Variant type: single nucleotide variant.
Coding change: c.548G>A on transcript NM_000091.5 (MANE Select); coding-DNA position 548, G replaced by A.
Protein change: p.Gly183Asp; replaces glycine 183 with aspartic acid.
Molecular consequence: missense variant.
Genome position (GRCh38, 1-based): chr2:227,251,141, G>A. VCF-style: chr2-227251141-G-A. GRCh37 (hg19) VCF-style: chr2-228115857-G-A.
Other names: short protein forms G183D.
Identifiers: ClinVar variation 4293492 (VCV004293492.1).
Genomic context (GRCh38, chr2:227,251,141, plus strand): 5'-CATTGTTATTAAGTGAGAAGTAAATTTAAACTTACTCTTATTCTTCTCTCAATTTCAAGG[G>A]TTTGCCAGGCCCTCCAGGTTTTCCTGGGCCTGTTGGCCCACCTGGTCCTCCGGGATTCTT-3'
Protein context (NP_000082.2, residues 173-193): PGLPGAPGPQ[Gly183Asp]LPGPPGFPGP